The following is an entry in ClinVar:

ClinVar aggregate classification (germline): Conflicting classifications of pathogenicity. Review status: criteria provided, conflicting classifications (1 of 4 stars). 2 submissions from 2 submitters: Likely pathogenic (1); Uncertain significance (1). Last evaluated 2025-06-13.

Conditions:
DNA ligase IV deficiency. Identifiers: Orphanet 99812, MedGen C1847827, MONDO:0011686, OMIM 606593.

Submissions (2):

Women's Health and Genetics/Laboratory Corporation of America, LabCorp
Classification: Uncertain significance. Last evaluated: 2025-06-13. Review status: criteria provided, single submitter. Criteria: LabCorp Variant Classification Summary - May 2015. Collection method: clinical testing. Allele origin: germline.
Comment: Variant summary: LIG4 c.1103A>T (p.Asp368Val) results in a non-conservative amino acid change in the encoded protein sequence. Algorithms developed to predict the effect of missense changes on protein structure and function all suggest that this variant is likely to be disruptive. The variant was absent in 250744 control chromosomes (gnomAD). The available data on variant occurrences in the general population are insufficient to allow any conclusion about variant significance. c.1103A>T has been observed in an individual affected with LIG4 Syndrome (Buchbinder_2019). These data do not allow any conclusion about variant significance. To our knowledge, no experimental evidence demonstrating an impact on protein function has been reported. The following publication has been ascertained in the context of this evaluation (PMID: 30607663). ClinVar contains an entry for this variant (Variation ID: 636382). Based on the evidence outlined above, the variant was classified as uncertain significance.

Labcorp Genetics (formerly Invitae), Labcorp
Classification: Likely pathogenic for DNA ligase IV deficiency. Last evaluated: 2024-02-22. Review status: criteria provided, single submitter. Criteria: Invitae Variant Classification Sherloc (09022015). Collection method: clinical testing. Allele origin: germline.
Comment: This sequence change replaces aspartic acid, which is acidic and polar, with valine, which is neutral and non-polar, at codon 368 of the LIG4 protein (p.Asp368Val). This variant is not present in population databases (gnomAD no frequency). This missense change has been observed in individual(s) with clinical features of LIG4-related conditions (PMID: 30607663). ClinVar contains an entry for this variant (Variation ID: 636382). Advanced modeling of protein sequence and biophysical properties (such as structural, functional, and spatial information, amino acid conservation, physicochemical variation, residue mobility, and thermodynamic stability) performed at Invitae indicates that this missense variant is expected to disrupt LIG4 protein function with a positive predictive value of 95%. This variant disrupts the p.Asp368 amino acid residue in LIG4. Other variant(s) that disrupt this residue have been determined to be pathogenic (Liao et al. 2017. LymphoSign Journal. 4(1): 31-41). This suggests that this residue is clinically significant, and that variants that disrupt this residue are likely to be disease-causing. In summary, the currently available evidence indicates that the variant is pathogenic, but additional data are needed to prove that conclusively. Therefore, this variant has been classified as Likely Pathogenic.

Literature cited by the submitters: PubMed 30607663 (cited by Women's Health and Genetics/Laboratory Corporation of America, LabCorp and Labcorp Genetics (formerly Invitae), Labcorp).

NM_206937.2(LIG4):c.1103A>T (p.Asp368Val)

Gene: LIG4 (DNA ligase 4; minus strand). Cytogenetic location: 13q33.3.
Variant type: single nucleotide variant.
Coding change: c.1103A>T on transcript NM_206937.2 (MANE Select); coding-DNA position 1103, A replaced by T.
Protein change: p.Asp368Val; replaces aspartic acid 368 with valine.
Molecular consequence: missense variant.
Genome position (GRCh38, 1-based): chr13:108,210,166, T>A on the plus strand (A>T on the coding strand, the complement: LIG4 is on the minus strand). VCF-style: chr13-108210166-T-A. GRCh37 (hg19) VCF-style: chr13-108862514-T-A.
Other names: c.1103A>T, p.Asp368Val (NM_001098268.2, NM_001352598.2, NM_001352599.2 and 6 more transcripts); c.902A>T, p.Asp301Val (NM_001330595.2); c.1139A>T, p.Asp380Val (NM_001352604.2); short protein forms D368V, D380V, D301V.
Identifiers: ClinVar variation 636382 (VCV000636382.5), dbSNP rs1220876973, ClinGen allele CA388618366.